The following is an entry in ClinVar:

ClinVar aggregate classification (germline): Uncertain significance. Review status: criteria provided, multiple submitters, no conflicts (2 of 4 stars). 2 submissions from 2 submitters: Uncertain significance (2). Last evaluated 2024-05-30.

Conditions:
Colorectal cancer, susceptibility to, 1. Also called: COLORECTAL ADENOMA AND CANCER, SUSCEPTIBILITY TO; COLORECTAL CANCER, SUSCEPTIBILITY TO, ON CHROMOSOME 9. Identifiers: MedGen C1837315, MONDO:0012132, OMIM 608812.

Submissions (2):

Fulgent Genetics
Classification: Uncertain significance for Colorectal cancer, susceptibility to, 1. Last evaluated: 2024-05-30. Review status: criteria provided, single submitter. Criteria: ACMG Guidelines, 2015. Collection method: clinical testing. Allele origin: germline.

Ambry Genetics
Classification: Uncertain significance. Last evaluated: 2020-01-17. Review status: criteria provided, single submitter. Criteria: Ambry Variant Classification Scheme 2023. Collection method: clinical testing. Allele origin: germline.
Comment: The p.F144L variant (also known as c.430T>C), located in coding exon 2 of the GALNT12 gene, results from a T to C substitution at nucleotide position 430. The phenylalanine at codon 144 is replaced by leucine, an amino acid with highly similar properties. This amino acid position is highly conserved in available vertebrate species. In addition, this alteration is predicted to be deleterious by in silico analysis. Since supporting evidence is limited at this time, the clinical significance of this alteration remains unclear.

NM_024642.5(GALNT12):c.430T>C (p.Phe144Leu)

Gene: GALNT12 (polypeptide N-acetylgalactosaminyltransferase 12; plus strand). Cytogenetic location: 9q22.33.
Variant type: single nucleotide variant.
Coding change: c.430T>C on transcript NM_024642.5 (MANE Select); coding-DNA position 430, T replaced by C.
Protein change: p.Phe144Leu; replaces phenylalanine 144 with leucine.
Molecular consequence: missense variant.
Genome position (GRCh38, 1-based): chr9:98,823,314, T>C. VCF-style: chr9-98823314-T-C. GRCh37 (hg19) VCF-style: chr9-101585596-T-C.
Other names: short protein forms F144L.
Identifiers: ClinVar variation 1739629 (VCV001739629.3), dbSNP rs2490492227, ClinGen allele CA374216666.